The following is an entry in ClinVar:

NM_004260.4(RECQL4):c.3384G>C (p.Gly1128=)

Gene: RECQL4 (RecQ like helicase 4; minus strand). Cytogenetic location: 8q24.3.
Variant type: single nucleotide variant.
Coding change: c.3384G>C on transcript NM_004260.4 (MANE Select); coding-DNA position 3384, G replaced by C.
Protein change: p.Gly1128=; no amino-acid change (glycine 1128 retained).
Molecular consequence: synonymous variant.
Genome position (GRCh38, 1-based): chr8:144,511,920, C>G on the plus strand (G>C on the coding strand, the complement: RECQL4 is on the minus strand). VCF-style: chr8-144511920-C-G. GRCh37 (hg19) VCF-style: chr8-145737303-C-G.
Identifiers: ClinVar variation 529079 (VCV000529079.16), dbSNP rs376559433, ClinGen allele CA4947794.
Genomic context (GRCh38, chr8:144,511,920, plus strand): 5'-AGCCCAGGGAACCTGCAACCCCGATGAGCTGCCTGGCCTTACTGCACTCACTCTGGCCTG[C>G]CCTGGCTCGGGGCCCTGTGCGTCCTCCATGCCTCCCGGCTCCTGCCCTTCCTCTTCCTCA-3'
Protein context (NP_004251.4, residues 1118-1138): GMEDAQGPEP[Gly1128=]QARLQDWEDQ

ClinVar aggregate classification (germline): Likely benign. Review status: criteria provided, multiple submitters, no conflicts (2 of 4 stars). 2 submissions from 2 submitters: Likely benign (2). Last evaluated 2026-01-26.

Conditions:
Baller-Gerold syndrome (BGS). Also called: CRANIOSYNOSTOSIS WITH RADIAL DEFECTS. Identifiers: Orphanet 1225, MedGen C0265308, MONDO:0009039, OMIM 218600.

Allele frequency attached by ClinVar (database versions not stated): gnomAD exomes 0.00001; ExAC 0.00002; ESP Exome Variant Server 0.00008; gnomAD 0.00010; TOPMed 0.00010.
gnomAD v4.1: 14 of 1,610,720 alleles (0.00087%); highest among the groups gnomAD compares: African/African-American, 0.015%; no homozygotes.

Submissions (2):

Labcorp Genetics (formerly Invitae), Labcorp
Classification: Likely benign for Baller-Gerold syndrome. Last evaluated: 2026-01-26. Review status: criteria provided, single submitter. Criteria: Invitae Variant Classification Sherloc (09022015). Collection method: clinical testing. Allele origin: germline.

CeGaT Center for Human Genetics Tuebingen
Classification: Likely benign. Last evaluated: 2025-10-01. Review status: criteria provided, single submitter. Criteria: CeGaT Center For Human Genetics Tuebingen Variant Classification Criteria Version 2. Collection method: clinical testing. Allele origin: germline. Affected: yes. Observed: 1 variant allele.
Comment: RECQL4: BP4, BP7